The following is an entry in ClinVar:

ClinVar aggregate classification (germline): Uncertain significance (1 of 4 stars; one submission).

Conditions:
Hereditary cancer-predisposing syndrome. Also called: Neoplastic Syndromes, Hereditary; Tumor predisposition; Hereditary Cancer Syndrome; Hereditary neoplastic syndrome. Identifiers: Orphanet 140162, MedGen C0027672, MeSH D009386, MONDO:0015356.

Submission:

Color Diagnostics, LLC DBA Color Health
Classification: Uncertain significance for Hereditary cancer-predisposing syndrome. Last evaluated: 2024-03-04. Review status: criteria provided, single submitter. Criteria: ACMG Guidelines, 2015. Collection method: clinical testing. Allele origin: germline.
Comment: This missense variant replaces arginine with glycine at codon 131 of the PALB2 protein. Computational prediction suggests that this variant may not impact protein structure and function (internally defined REVEL score threshold <= 0.5, PMID: 27666373). To our knowledge, functional studies have not been reported for this variant. This variant has not been reported in individuals affected with PALB2-related disorders in the literature. This variant has not been identified in the general population by the Genome Aggregation Database (gnomAD). The available evidence is insufficient to determine the role of this variant in disease conclusively. Therefore, this variant is classified as a Variant of Uncertain Significance.

NM_024675.4(PALB2):c.391A>G (p.Arg131Gly)

Gene: PALB2 (partner and localizer of BRCA2; minus strand). Cytogenetic location: 16p12.2.
Variant type: single nucleotide variant.
Coding change: c.391A>G on transcript NM_024675.4 (MANE Select); coding-DNA position 391, A replaced by G.
Protein change: p.Arg131Gly; replaces arginine 131 with glycine.
Molecular consequence: missense variant. On other transcripts: 5 prime UTR variant (8), intron variant (3).
Genome position (GRCh38, 1-based): chr16:23,636,155, T>C on the plus strand (A>G on the coding strand, the complement: PALB2 is on the minus strand). VCF-style: chr16-23636155-T-C. GRCh37 (hg19) VCF-style: chr16-23647476-T-C.
Other names: c.331A>G, p.Arg111Gly (NM_001407296.1); c.391A>G, p.Arg131Gly (NM_001407297.1, NM_001407298.1, NM_001407299.1 and 3 more transcripts); c.-495A>G (NM_001407304.1, NM_001407305.1, NM_001407306.1 and 5 more transcripts); c.48+4955A>G (NM_001407314.1); c.-105+4955A>G (NM_001407313.1, NM_001407312.1); short protein forms R111G, R131G.
Identifiers: ClinVar variation 3894454 (VCV003894454.1).